The following is an entry in ClinVar:

ClinVar aggregate classification (germline): Benign/Likely benign. Review status: criteria provided, multiple submitters, no conflicts (2 of 4 stars). 3 submissions from 3 submitters: Benign (1); Likely benign (2). Last evaluated 2025-06-10.

Conditions:
Von Hippel-Lindau syndrome (VHLS). Also called: VHL syndrome; von Hippel–Lindau syndrome; Von Hippel-Lindau. Identifiers: Orphanet 892, MedGen C0019562, MONDO:0008667, OMIM 193300. Disease mechanism: loss of function.
Hereditary cancer-predisposing syndrome. Also called: Hereditary Cancer Syndrome; Hereditary neoplastic syndrome; Neoplastic Syndromes, Hereditary; Tumor predisposition. Identifiers: Orphanet 140162, MedGen C0027672, MeSH D009386, MONDO:0015356.
Chuvash polycythemia. Also called: POLYCYTHEMIA, VHL-DEPENDENT. Identifiers: Orphanet 238557, MedGen C1837915, MONDO:0009892, OMIM 263400.

Submissions (3):

Myriad Genetics, Inc.
Classification: Benign for Von Hippel-Lindau syndrome. Last evaluated: 2025-06-10. Review status: criteria provided, single submitter. Criteria: Myriad Autosomal Dominant, Autosomal Recessive and X-Linked Classification Criteria (2023). Collection method: clinical testing. Allele origin: unknown.
Comment: This variant is considered benign. This variant is a silent/synonymous amino acid change and it is not expected to impact splicing.

Ambry Genetics
Classification: Likely benign for Hereditary cancer-predisposing syndrome. Last evaluated: 2024-07-07. Review status: criteria provided, single submitter. Criteria: Ambry Variant Classification Scheme 2023. Collection method: clinical testing. Allele origin: germline.

Labcorp Genetics (formerly Invitae), Labcorp
Classification: Likely benign for Von Hippel-Lindau syndrome; Chuvash polycythemia. Last evaluated: 2024-03-05. Review status: criteria provided, single submitter. Criteria: Invitae Variant Classification Sherloc (09022015). Collection method: clinical testing. Allele origin: germline.

NM_000551.4(VHL):c.75T>G (p.Pro25=)

Gene: VHL (von Hippel-Lindau tumor suppressor; plus strand). Cytogenetic location: 3p25.3.
Variant type: single nucleotide variant.
Coding change: c.75T>G on transcript NM_000551.4 (MANE Select); coding-DNA position 75, T replaced by G.
Protein change: p.Pro25=; no amino-acid change (proline 25 retained).
Molecular consequence: synonymous variant. On other transcripts: non-coding transcript variant (1).
Genome position (GRCh38, 1-based): chr3:10,141,922, T>G. VCF-style: chr3-10141922-T-G. GRCh37 (hg19) VCF-style: chr3-10183606-T-G.
Other names: c.75T>G, p.Pro25= (NM_001354723.2, NM_198156.3).
Identifiers: ClinVar variation 3468023 (VCV003468023.4).